The following is an entry in ClinVar:

ClinVar aggregate classification (germline): Pathogenic (1 of 4 stars; one submission).

Conditions:
Seizures, benign familial infantile, 3 (BFIS3). Also called: CONVULSIONS, BENIGN FAMILIAL INFANTILE, 3; Familial neonatal seizures. Identifiers: Orphanet 140927, Orphanet 306, MedGen C1843140, MONDO:0011904, OMIM 607745.
Developmental and epileptic encephalopathy, 11 (DEE11). Also called: Early infantile epileptic encephalopathy 11. Identifiers: Orphanet 1934, MedGen C3150987, MONDO:0013388, OMIM 613721.

Submission:

Labcorp Genetics (formerly Invitae), Labcorp
Classification: Pathogenic for Seizures, benign familial infantile, 3; Developmental and epileptic encephalopathy, 11. Last evaluated: 2021-08-24. Review status: criteria provided, single submitter. Criteria: Invitae Variant Classification Sherloc (09022015). Collection method: clinical testing. Allele origin: germline.
Comment: For these reasons, this variant has been classified as Pathogenic. This variant disrupts the p.Arg1629 amino acid residue in SCN2A. Other variant(s) that disrupt this residue have been determined to be pathogenic (Invitae). This suggests that this residue is clinically significant, and that variants that disrupt this residue are likely to be disease-causing. Algorithms developed to predict the effect of missense changes on protein structure and function are either unavailable or do not agree on the potential impact of this missense change (SIFT: "Deleterious"; PolyPhen-2: "Probably Damaging"; Align-GVGD: "Class C0"). This missense change has been observed in individual(s) with clinical features of SCN2A-related conditions (Invitae). In at least one individual the variant was observed to be de novo. This variant is not present in population databases (ExAC no frequency). This sequence change replaces arginine with glycine at codon 1629 of the SCN2A protein (p.Arg1629Gly). The arginine residue is highly conserved and there is a moderate physicochemical difference between arginine and glycine.

NM_001040142.2(SCN2A):c.4885C>G (p.Arg1629Gly)

Gene: SCN2A (sodium voltage-gated channel alpha subunit 2; plus strand). Cytogenetic location: 2q24.3.
Variant type: single nucleotide variant.
Coding change: c.4885C>G on transcript NM_001040142.2 (MANE Select); coding-DNA position 4885, C replaced by G.
Protein change: p.Arg1629Gly; replaces arginine 1629 with glycine.
Molecular consequence: missense variant.
Genome position (GRCh38, 1-based): chr2:165,388,691, C>G. VCF-style: chr2-165388691-C-G. GRCh37 (hg19) VCF-style: chr2-166245201-C-G.
Other names: c.4885C>G, p.Arg1629Gly (NM_001040143.2, NM_001371246.1, NM_001371247.1 and 1 more transcripts); short protein forms R1629G.
Identifiers: ClinVar variation 1418333 (VCV001418333.6), dbSNP rs1702003567, ClinGen allele CA349037703.